The following is an entry in ClinVar:

ClinVar aggregate classification (germline): Uncertain significance. Review status: criteria provided, multiple submitters, no conflicts (2 of 4 stars). 2 submissions from 2 submitters: Uncertain significance (2). Last evaluated 2025-08-23.

Conditions:
Inborn genetic diseases. Identifiers: MedGen C0950123, MeSH D030342.

Allele frequency attached by ClinVar (database versions not stated): ExAC 0.00003; gnomAD 0.00004; gnomAD exomes 0.00004; TOPMed 0.00005; ESP Exome Variant Server 0.00008.
gnomAD v4.1: 23 of 1,613,988 alleles (0.0014%); highest among the groups gnomAD compares: Admixed American, 0.017%; no homozygotes.

Submissions (2):

Ambry Genetics
Classification: Uncertain significance for Inborn genetic diseases. Last evaluated: 2025-08-23. Review status: criteria provided, single submitter. Criteria: Ambry Variant Classification Scheme 2023. Collection method: clinical testing. Allele origin: germline.

Labcorp Genetics (formerly Invitae), Labcorp
Classification: Uncertain significance. Last evaluated: 2022-06-02. Review status: criteria provided, single submitter. Criteria: Invitae Variant Classification Sherloc (09022015). Collection method: clinical testing. Allele origin: germline.
Comment: This sequence change replaces arginine, which is basic and polar, with glutamine, which is neutral and polar, at codon 926 of the SPEG protein (p.Arg926Gln). This variant is present in population databases (rs376823807, gnomAD 0.02%). This variant has not been reported in the literature in individuals affected with SPEG-related conditions. ClinVar contains an entry for this variant (Variation ID: 1353030). Algorithms developed to predict the effect of missense changes on protein structure and function output the following: SIFT: "Tolerated"; PolyPhen-2: "Benign"; Align-GVGD: "Class C0". The glutamine amino acid residue is found in multiple mammalian species, which suggests that this missense change does not adversely affect protein function. In summary, the available evidence is currently insufficient to determine the role of this variant in disease. Therefore, it has been classified as a Variant of Uncertain Significance.

NM_005876.5(SPEG):c.2777G>A (p.Arg926Gln)

Gene: SPEG (striated muscle enriched protein kinase; plus strand). Cytogenetic location: 2q35.
Variant type: single nucleotide variant.
Coding change: c.2777G>A on transcript NM_005876.5 (MANE Select); coding-DNA position 2777, G replaced by A.
Protein change: p.Arg926Gln; replaces arginine 926 with glutamine.
Molecular consequence: missense variant.
Genome position (GRCh38, 1-based): chr2:219,464,504, G>A. VCF-style: chr2-219464504-G-A. GRCh37 (hg19) VCF-style: chr2-220329226-G-A.
Other names: c.230G>A, p.Arg77Gln (NM_001173476.2); c.2777G>A (NM_005876.4); short protein forms R926Q, R77Q.
Identifiers: ClinVar variation 1353030 (VCV001353030.4), dbSNP rs376823807, ClinGen allele CA2125952.